The following is an entry in ClinVar:

NM_002878.4(RAD51D):c.264-10C>T

Genes: RAD51D (RAD51 paralog D; minus strand), RAD51L3-RFFL (RAD51L3-RFFL readthrough; minus strand). Cytogenetic location: 17q12.
Variant type: single nucleotide variant.
Coding change: c.264-10C>T on transcript NM_002878.4 (MANE Select); 10 bases into the intron before coding-DNA position 264, C replaced by T.
Molecular consequence: intron variant.
Genome position (GRCh38, 1-based): chr17:35,107,457, G>A on the plus strand (C>T on the coding strand, the complement: RAD51D is on the minus strand). VCF-style: chr17-35107457-G-A. GRCh37 (hg19) VCF-style: chr17-33434476-G-A.
Other names: c.145-976C>T (NM_133629.3); c.324-10C>T (NM_001142571.2).
Identifiers: ClinVar variation 3904006 (VCV003904006.1).
Genomic context (GRCh38, chr17:35,107,457, plus strand): 5'-ATTTCAGTCACTTCTCCAGTATAGAGACCAGCATCAAGCAGTTTATCAAGACTGATGGCA[G>A]AAGAGAAGAAAATCAACACAAGAGGTTAGGAGGAAGACAGGGGAAAAGGTACCAAGAAGA-3'

ClinVar aggregate classification (germline): Likely benign (1 of 4 stars; one submission).

Conditions:
Breast-ovarian cancer, familial, susceptibility to, 4. Identifiers: Orphanet 145, MedGen C3280345, MONDO:0013669, OMIM 614291.

Submission:

Myriad Genetics, Inc.
Classification: Likely benign for Breast-ovarian cancer, familial, susceptibility to, 4. Last evaluated: 2025-02-20. Review status: criteria provided, single submitter. Criteria: Myriad Autosomal Dominant, Autosomal Recessive and X-Linked Classification Criteria (2023). Collection method: clinical testing. Allele origin: unknown.
Comment: This variant is considered likely benign. This variant is intronic and is not expected to impact mRNA splicing.